The following is an entry in ClinVar:

ClinVar aggregate classification (germline): Uncertain significance. Review status: criteria provided, multiple submitters, no conflicts (2 of 4 stars). 2 submissions from 2 submitters: Uncertain significance (2). Last evaluated 2024-11-13.

Conditions:
Inborn genetic diseases. Identifiers: MedGen C0950123, MeSH D030342.

Allele frequency attached by ClinVar (database versions not stated): TOPMed 0.00068; gnomAD exomes 0.00076; gnomAD 0.00086; ExAC 0.00087; ESP Exome Variant Server 0.00115.
gnomAD v4.1: 1,228 of 1,607,146 alleles (0.076%); highest among the groups gnomAD compares: Admixed American, 0.16%; 2 homozygotes.

Submissions (2):

Ambry Genetics
Classification: Uncertain significance for Inborn genetic diseases. Last evaluated: 2024-11-13. Review status: criteria provided, single submitter. Criteria: Ambry Variant Classification Scheme 2023. Collection method: clinical testing. Allele origin: germline.

CeGaT Center for Human Genetics Tuebingen
Classification: Uncertain significance. Last evaluated: 2024-04-01. Review status: criteria provided, single submitter. Criteria: CeGaT Center For Human Genetics Tuebingen Variant Classification Criteria Version 2. Collection method: clinical testing. Allele origin: germline. Affected: yes. Observed: 1 variant allele.
Comment: ASCC3: PM2

NM_006828.4(ASCC3):c.4204A>C (p.Lys1402Gln)

Gene: ASCC3 (activating signal cointegrator 1 complex subunit 3; minus strand). Cytogenetic location: 6q16.3.
Variant type: single nucleotide variant.
Coding change: c.4204A>C on transcript NM_006828.4 (MANE Select); coding-DNA position 4204, A replaced by C.
Protein change: p.Lys1402Gln; replaces lysine 1402 with glutamine.
Molecular consequence: missense variant.
Genome position (GRCh38, 1-based): chr6:100,631,132, T>G on the plus strand (A>C on the coding strand, the complement: ASCC3 is on the minus strand). VCF-style: chr6-100631132-T-G. GRCh37 (hg19) VCF-style: chr6-101079008-T-G.
Other names: short protein forms K1402Q.
Identifiers: ClinVar variation 2290970 (VCV002290970.23), dbSNP rs149733700, ClinGen allele CA3938136.